The following is an entry in ClinVar:

NM_001130009.3(GEN1):c.191C>T (p.Thr64Ile)

Gene: GEN1 (GEN1 Holliday junction 5' flap endonuclease; plus strand). Cytogenetic location: 2p24.2.
Variant type: single nucleotide variant.
Coding change: c.191C>T on transcript NM_001130009.3 (MANE Select); coding-DNA position 191, C replaced by T.
Protein change: p.Thr64Ile; replaces threonine 64 with isoleucine.
Molecular consequence: missense variant.
Genome position (GRCh38, 1-based): chr2:17,761,425, C>T. VCF-style: chr2-17761425-C-T. GRCh37 (hg19) VCF-style: chr2-17942692-C-T.
Other names: c.191C>T, p.Thr64Ile (NM_182625.5); short protein forms T64I.
Identifiers: ClinVar variation 3853497 (VCV003853497.1).

ClinVar aggregate classification (germline): Uncertain significance (1 of 4 stars; one submission).

gnomAD v4.1: 2 of 1,603,120 alleles (0.00012%); highest among the groups gnomAD compares: Non-Finnish European, 0.00017%; no homozygotes.

Submission:

Ambry Genetics
Classification: Uncertain significance. Last evaluated: 2025-01-09. Review status: criteria provided, single submitter. Criteria: Ambry Variant Classification Scheme 2023. Collection method: clinical testing. Allele origin: germline.
Comment: The p.T64I variant (also known as c.191C>T), located in coding exon 2 of the GEN1 gene, results from a C to T substitution at nucleotide position 191. The threonine at codon 64 is replaced by isoleucine, an amino acid with similar properties. This amino acid position is conserved. In addition, this alteration is predicted to be tolerated by in silico analysis. Based on the available evidence, the clinical significance of this variant remains unclear.